The following is an entry in ClinVar:

NM_001366145.2(TRPM3):c.3153A>T (p.Lys1051Asn)

Gene: TRPM3 (transient receptor potential cation channel subfamily M member 3; minus strand). Cytogenetic location: 9q21.12.
Variant type: single nucleotide variant.
Coding change: c.3153A>T on transcript NM_001366145.2 (MANE Select); coding-DNA position 3153, A replaced by T.
Protein change: p.Lys1051Asn; replaces lysine 1051 with asparagine.
Molecular consequence: missense variant.
Genome position (GRCh38, 1-based): chr9:70,591,101, T>A on the plus strand (A>T on the coding strand, the complement: TRPM3 is on the minus strand). VCF-style: chr9-70591101-T-A. GRCh37 (hg19) VCF-style: chr9-73206017-T-A.
Other names: c.3117A>T, p.Lys1039Asn (NM_001007471.4, NM_001366151.2); c.3123A>T, p.Lys1041Asn (NM_001366141.2, NM_001366143.2, NM_001366149.2); c.3159A>T, p.Lys1053Asn (NM_001366142.2); c.3153A>T, p.Lys1051Asn (NM_001366146.2); c.3228A>T, p.Lys1076Asn (NM_001366147.2, NM_001366152.2); c.3198A>T, p.Lys1066Asn (NM_001366148.2); c.3087A>T, p.Lys1029Asn (NM_001366150.2); c.2694A>T, p.Lys898Asn (NM_001366154.2, NM_024971.7); and 5 more; short protein forms K1029N, K1039N, K1041N, K1051N, K1053N, K1066N, K1076N, K876N.
Identifiers: ClinVar variation 3346876 (VCV003346876.1).

ClinVar aggregate classification (germline): Uncertain significance (0 of 4 stars; one submission).

Conditions:
TRPM3-related disorder. Also called: TRPM3-related condition.

Submission:

PreventionGenetics, part of Exact Sciences
Classification: Uncertain significance for TRPM3-related condition. Last evaluated: 2024-09-25. Review status: no assertion criteria provided. Collection method: clinical testing. Allele origin: germline.
Comment: The TRPM3 c.3228A>T variant is predicted to result in the amino acid substitution p.Lys1076Asn. To our knowledge, this variant has not been reported in the literature or in a large population database, indicating this variant is rare. At this time, the clinical significance of this variant is uncertain due to the absence of conclusive functional and genetic evidence.